The following is an entry in ClinVar:

ClinVar aggregate classification (germline): Uncertain significance. Review status: criteria provided, multiple submitters, no conflicts (2 of 4 stars). 2 submissions from 2 submitters: Uncertain significance (2). Last evaluated 2020-11-19.

Conditions:
Spinocerebellar ataxia type 35. Identifiers: Orphanet 276193, MedGen C3888031, MONDO:0013485, OMIM 613908.
Inborn genetic diseases. Identifiers: MedGen C0950123, MeSH D030342.

Allele frequency attached by ClinVar (database versions not stated): gnomAD exomes below 0.00001 and 0.00002; TOPMed below 0.00001; gnomAD 0.00001.
gnomAD v4.1: 28 of 1,614,064 alleles (0.0017%); highest among the groups gnomAD compares: Non-Finnish European, 0.0022%; no homozygotes.

Submissions (2):

CENTOGENE GmbH and LLC - Guiding Precision Medicine
Classification: Uncertain significance for Spinocerebellar ataxia type 35. Last evaluated: 2020-11-19. Review status: criteria provided, single submitter. Criteria: ACMG Guidelines, 2015. Collection method: clinical testing. Allele origin: germline. Affected: yes.

Ambry Genetics
Classification: Uncertain significance for Inborn genetic diseases. Last evaluated: 2020-09-16. Review status: criteria provided, single submitter. Criteria: Ambry Variant Classification Scheme 2023. Collection method: clinical testing. Allele origin: germline.
Comment: The c.516A>G (p.I172M) alteration is located in coding exon 4 of the TGM6 gene. This alteration results from a A to G substitution at nucleotide position 516, causing the isoleucine (I) at amino acid position 172 to be replaced by a methionine (M). Based on data from the Genome Aggregation Database (gnomAD) database, the TGM6 c.516A>G alteration was observed in 0.0004% (1/251344) of total alleles studied. The p.I172 amino acid is conserved in available vertebrate species. The in silico prediction for the p.I172M alteration is inconclusive. Based on insufficient or conflicting evidence, the clinical significance of this alteration remains unclear.

Literature cited by the submitters: PubMed 25133958 (cited by Ambry Genetics).

NM_198994.3(TGM6):c.516A>G (p.Ile172Met)

Gene: TGM6 (transglutaminase 6; plus strand). Cytogenetic location: 20p13.
Variant type: single nucleotide variant.
Coding change: c.516A>G on transcript NM_198994.3 (MANE Select); coding-DNA position 516, A replaced by G.
Protein change: p.Ile172Met; replaces isoleucine 172 with methionine.
Molecular consequence: missense variant.
Genome position (GRCh38, 1-based): chr20:2,396,597, A>G. VCF-style: chr20-2396597-A-G. GRCh37 (hg19) VCF-style: chr20-2377243-A-G.
Other names: c.516A>G, p.Ile172Met (NM_001254734.2); short protein forms I172M.
Identifiers: ClinVar variation 1334089 (VCV001334089.4), dbSNP rs779578465, ClinGen allele CA310836370.